The following is an entry in ClinVar:

ClinVar aggregate classification (germline): Benign/Likely benign. Review status: criteria provided, multiple submitters, no conflicts (2 of 4 stars). 4 submissions from 4 submitters: Benign (1); Likely benign (2). 1 of the submissions does not count toward it. Last evaluated 2024-11-27.

Conditions:
Deafness, Y-linked 2 (DFNY2). Identifiers: MedGen C5193013, MONDO:0027048, OMIM 400047.
TBL1Y-related disorder. Also called: TBL1Y-related condition.

Allele frequency attached by ClinVar (database versions not stated): gnomAD exomes 0.00044 and 0.00151; ExAC 0.00179; 1000 Genomes Project 30x 0.00250; 1000 Genomes Project 0.00324.
gnomAD v4.1: 276 of 396,552 alleles (0.07%); highest among the groups gnomAD compares: East Asian, 1.1%; no homozygotes.

Submissions (6):

Blueprint Genetics
Classification: Likely benign. Last evaluated: 2024-11-27. Review status: criteria provided, single submitter. Criteria: ACMG Guidelines, 2015. Collection method: clinical testing. Allele origin: germline.

Fulgent Genetics
Classification: Likely benign for Deafness, Y-linked 2. Last evaluated: 2021-08-10. Review status: criteria provided, single submitter. Criteria: ACMG Guidelines, 2015. Collection method: clinical testing. Allele origin: unknown.

Labcorp Genetics (formerly Invitae), Labcorp
Classification: Benign. Last evaluated: 2019-12-31. Review status: criteria provided, single submitter. Criteria: Invitae Variant Classification Sherloc (09022015). Collection method: clinical testing. Allele origin: germline.

PreventionGenetics, part of Exact Sciences
Classification: Likely benign for TBL1Y-related condition. Last evaluated: 2020-01-06. Review status: no assertion criteria provided. Collection method: clinical testing. Allele origin: germline. Not counted in ClinVar's aggregate classification.
Comment: This variant is classified as likely benign based on ACMG/AMP sequence variant interpretation guidelines (Richards et al. 2015 PMID: 25741868, with internal and published modifications).

Dr. Peter K. Rogan Lab, Western University
No classification provided (evidence only). Condition: Thyroid cancer, nonmedullary, 1. Review status: no classification provided. Collection method: in vitro. Allele origin: not applicable. Functional consequence: retained intron. Not counted in ClinVar's aggregate classification.

Dr. Peter K. Rogan Lab, Western University
No classification provided (evidence only). Condition: Hepatocellular carcinoma. Review status: no classification provided. Collection method: in vitro. Allele origin: not applicable. Functional consequence: retained intron. Not counted in ClinVar's aggregate classification.

NM_033284.2(TBL1Y):c.457+1G>C

Genes: TBL1Y (transducin beta like 1 Y-linked; plus strand), LOC126057105 (P300/CBP strongly-dependent group 1 enhancer GRCh37_chrY:6931456-6932655; plus strand). Cytogenetic location: Yp11.2.
Variant type: single nucleotide variant.
Coding change: c.457+1G>C on transcript NM_033284.2 (MANE Select); the canonical splice donor site of the intron after coding-DNA position 457, G replaced by C.
Molecular consequence: splice donor variant.
Genome position (GRCh38, 1-based): chrY:7,064,150, G>C. VCF-style: chrY-7064150-G-C. GRCh37 (hg19) VCF-style: chrY-6932191-G-C.
Other names: NC_000024.9:g.6932191G>C; c.457+1G>C (NM_134259.2, NM_134258.2, NM_134258.1).
Identifiers: ClinVar variation 719064 (VCV000719064.9), dbSNP rs77259694, ClinGen allele CA10572119.